The following is an entry in ClinVar:

NM_004484.4(GPC3):c.1029C>T (p.Thr343=)

Gene: GPC3 (glypican 3; minus strand). Cytogenetic location: Xq26.2.
Variant type: single nucleotide variant.
Coding change: c.1029C>T on transcript NM_004484.4 (MANE Select); coding-DNA position 1029, C replaced by T.
Protein change: p.Thr343=; no amino-acid change (threonine 343 retained).
Molecular consequence: synonymous variant.
Genome position (GRCh38, 1-based): chrX:133,753,485, G>A on the plus strand (C>T on the coding strand, the complement: GPC3 is on the minus strand). VCF-style: chrX-133753485-G-A. GRCh37 (hg19) VCF-style: chrX-132887512-G-A.
Other names: c.1029C>T, p.Thr343= (NM_001164617.2); c.981C>T, p.Thr327= (NM_001164618.2); c.867C>T, p.Thr289= (NM_001164619.2).
Identifiers: ClinVar variation 543113 (VCV000543113.36), dbSNP rs890143711, ClinGen allele CA335981500.
Genomic context (GRCh38, chrX:133,753,485, plus strand): 5'-TGGCCACCTCACCCCAATAAGGCCCAAATCCTCTGACAACTGTAGACTGGTACTCACAGT[G>A]GTGGTCAGCTTTCCTGCATTCTTCTGGACATACTGGATAGAATCATGGATTGTTGAAAAG-3'
Protein context (NP_004475.1, residues 333-353): YVQKNAGKLT[Thr343=]TIGKLCAHSQ

ClinVar aggregate classification (germline): Benign/Likely benign. Review status: criteria provided, multiple submitters, no conflicts (2 of 4 stars). 2 submissions from 2 submitters: Benign (1); Likely benign (1). Last evaluated 2025-12-19.

Conditions:
Wilms tumor 1 (WT1). Also called: Wilms tumor, somatic. Identifiers: Orphanet 654, MedGen CN033288, MONDO:0008679, OMIM 194070.

Allele frequency attached by ClinVar (database versions not stated): gnomAD exomes 0.00001.
gnomAD v4.1: 14 of 1,200,897 alleles (0.0012%); highest among the groups gnomAD compares: East Asian, 0.041%; no homozygotes.

Submissions (2):

Labcorp Genetics (formerly Invitae), Labcorp
Classification: Benign for Wilms tumor 1. Last evaluated: 2025-12-19. Review status: criteria provided, single submitter. Criteria: Invitae Variant Classification Sherloc (09022015). Collection method: clinical testing. Allele origin: germline.

CeGaT Center for Human Genetics Tuebingen
Classification: Likely benign. Last evaluated: 2022-03-01. Review status: criteria provided, single submitter. Criteria: CeGaT Center For Human Genetics Tuebingen Variant Classification Criteria Version 2. Collection method: clinical testing. Allele origin: germline. Affected: yes. Observed: 1 variant allele.
Comment: GPC3: PM2:Supporting, BP4, BP7